The following is an entry in ClinVar:

NM_014319.5(LEMD3):c.130A>G (p.Lys44Glu)

Gene: LEMD3 (LEM domain containing 3; plus strand). Cytogenetic location: 12q14.3.
Variant type: single nucleotide variant.
Coding change: c.130A>G on transcript NM_014319.5 (MANE Select); coding-DNA position 130, A replaced by G.
Protein change: p.Lys44Glu; replaces lysine 44 with glutamic acid.
Molecular consequence: missense variant.
Genome position (GRCh38, 1-based): chr12:65,169,726, A>G. VCF-style: chr12-65169726-A-G. GRCh37 (hg19) VCF-style: chr12-65563506-A-G.
Other names: c.130A>G, p.Lys44Glu (NM_001167614.2); short protein forms K44E.
Identifiers: ClinVar variation 4776238 (VCV004776238.1).
Genomic context (GRCh38, chr12:65,169,726, plus strand): 5'-TACGGCCTGTCTCCCGGACCAGTGACGGAGAGCACCCGCCCGGTCTACCTCAAGAAGCTG[A>G]AGAAGCTTCGAGAGGAAGAGCAGCAACAGCACCGGTCAGGGGGCCGCGGCAACAAGACGC-3'
Protein context (NP_055134.2, residues 34-54): STRPVYLKKL[Lys44Glu]KLREEEQQQH

ClinVar aggregate classification (germline): Uncertain significance (1 of 4 stars; one submission).

gnomAD v4.1: 1 of 1,590,314 alleles (0.000063%); highest among the groups gnomAD compares: Non-Finnish European, 0.000086%; no homozygotes.

Submission:

Labcorp Genetics (formerly Invitae), Labcorp
Classification: Uncertain significance. Last evaluated: 2025-12-01. Review status: criteria provided, single submitter. Criteria: Invitae Variant Classification Sherloc (09022015). Collection method: clinical testing. Allele origin: germline.
Comment: This sequence change replaces lysine, which is basic and polar, with glutamic acid, which is acidic and polar, at codon 44 of the LEMD3 protein (p.Lys44Glu). This variant is not present in population databases (gnomAD no frequency). This variant has not been reported in the literature in individuals affected with LEMD3-related conditions. Invitae Evidence Modeling of protein sequence and biophysical properties (such as structural, functional, and spatial information, amino acid conservation, physicochemical variation, residue mobility, and thermodynamic stability) indicates that this missense variant is expected to disrupt LEMD3 protein function with a positive predictive value of 80%. In summary, the available evidence is currently insufficient to determine the role of this variant in disease. Therefore, it has been classified as a Variant of Uncertain Significance.